The following is an entry in ClinVar:

NM_024642.5(GALNT12):c.1105G>T (p.Ala369Ser)

Gene: GALNT12 (polypeptide N-acetylgalactosaminyltransferase 12; plus strand). Cytogenetic location: 9q22.33.
Variant type: single nucleotide variant.
Coding change: c.1105G>T on transcript NM_024642.5 (MANE Select); coding-DNA position 1105, G replaced by T.
Protein change: p.Ala369Ser; replaces alanine 369 with serine.
Molecular consequence: missense variant.
Genome position (GRCh38, 1-based): chr9:98,837,041, G>T. VCF-style: chr9-98837041-G-T. GRCh37 (hg19) VCF-style: chr9-101599323-G-T.
Other names: short protein forms A369S.
Identifiers: ClinVar variation 1793636 (VCV001793636.4), dbSNP rs2118451037, ClinGen allele CA374219806.

ClinVar aggregate classification (germline): Uncertain significance. Review status: criteria provided, multiple submitters, no conflicts (2 of 4 stars). 2 submissions from 2 submitters: Uncertain significance (2). Last evaluated 2025-09-17.

Submissions (2):

Quest Diagnostics Nichols Institute San Juan Capistrano
Classification: Uncertain significance. Last evaluated: 2025-09-17. Review status: criteria provided, single submitter. Criteria: Quest Diagnostics criteria. Collection method: clinical testing. Allele origin: unknown.
Comment: The GALNT12 c.1105G>T (p.Ala369Ser) variant has not been reported in individuals with GALNT12-related conditions in the published literature. This variant has not been reported in large, multi-ethnic general populations (Genome Aggregation Database). Analysis of this variant using bioinformatics tools for the prediction of the effect of amino acid changes on protein structure and function yielded predictions that this variant is damaging. Based on the available information, we are unable to determine the clinical significance of this variant.

Ambry Genetics
Classification: Uncertain significance. Last evaluated: 2025-04-13. Review status: criteria provided, single submitter. Criteria: Ambry Variant Classification Scheme 2023. Collection method: clinical testing. Allele origin: germline.
Comment: The p.A369S variant (also known as c.1105G>T), located in coding exon 6 of the GALNT12 gene, results from a G to T substitution at nucleotide position 1105. The alanine at codon 369 is replaced by serine, an amino acid with similar properties. This amino acid position is highly conserved in available vertebrate species. In addition, the in silico prediction for this alteration is inconclusive. Since supporting evidence is limited at this time, the clinical significance of this alteration remains unclear.